The following is an entry in ClinVar:

NM_001845.6(COL4A1):c.3592G>A (p.Gly1198Arg)

Gene: COL4A1 (collagen type IV alpha 1 chain; minus strand). Cytogenetic location: 13q34.
Variant type: single nucleotide variant.
Coding change: c.3592G>A on transcript NM_001845.6 (MANE Select); coding-DNA position 3592, G replaced by A.
Protein change: p.Gly1198Arg; replaces glycine 1198 with arginine.
Molecular consequence: missense variant.
Genome position (GRCh38, 1-based): chr13:110,170,697, C>T on the plus strand (G>A on the coding strand, the complement: COL4A1 is on the minus strand). VCF-style: chr13-110170697-C-T. GRCh37 (hg19) VCF-style: chr13-110823044-C-T.
Other names: c.3592G>A (NM_001845.4); short protein forms G1198R.
Identifiers: ClinVar variation 1453677 (VCV001453677.11), dbSNP rs2139156247, ClinGen allele CA388663359.

ClinVar aggregate classification (germline): Pathogenic/Likely pathogenic. Review status: criteria provided, multiple submitters, no conflicts (2 of 4 stars). 3 submissions from 3 submitters: Pathogenic (2); Likely pathogenic (1). Last evaluated 2023-03-22.

Conditions:
COL4A1 or COL4A2-related cerebral small vessel disease. Identifiers: Orphanet 477759, MedGen C5680103, MONDO:0018788.

Allele frequency attached by ClinVar (database versions not stated): gnomAD exomes below 0.00001.
gnomAD v4.1: 3 of 1,614,206 alleles (0.00019%); highest among the groups gnomAD compares: Non-Finnish European, 0.00025%; no homozygotes.

Submissions (3):

GeneDx
Classification: Pathogenic. Last evaluated: 2023-03-22. Review status: criteria provided, single submitter. Criteria: GeneDx Variant Classification Process June 2021. Collection method: clinical testing. Allele origin: germline. Affected: yes.
Comment: Affects a glycine residue in a Gly-X-Y motif in the triple helical region of the COL4A1 gene, where the majority of pathogenic missense variants occur, and is predicted to disrupt normal protein folding and function (HGMD; Weng et al., 2012; Yoneda et al., 2013); In silico analysis supports that this missense variant has a deleterious effect on protein structure/function; Not observed at significant frequency in large population cohorts (gnomAD); This variant is associated with the following publications: (PMID: 31915071, 30413629, 35583931, 24077912, 22522439, 23225343)

Labcorp Genetics (formerly Invitae), Labcorp
Classification: Pathogenic. Last evaluated: 2022-06-04. Review status: criteria provided, single submitter. Criteria: Invitae Variant Classification Sherloc (09022015). Collection method: clinical testing. Allele origin: germline.
Comment: Advanced modeling of protein sequence and biophysical properties (such as structural, functional, and spatial information, amino acid conservation, physicochemical variation, residue mobility, and thermodynamic stability) performed at Invitae indicates that this missense variant is expected to disrupt COL4A1 protein function. This sequence change replaces glycine, which is neutral and non-polar, with arginine, which is basic and polar, at codon 1198 of the COL4A1 protein (p.Gly1198Arg). This variant is not present in population databases (gnomAD no frequency). This missense change has been observed in individual(s) with COL4A1-related conditions (PMID: 30413629). In at least one individual the variant was observed to be de novo. ClinVar contains an entry for this variant (Variation ID: 1453677). This variant disrupts the triple helix domain of COL4A1. Glycine residues within the Gly-Xaa-Yaa repeats of the triple helix domain are required for the structure and stability of fibrillar collagens (PMID: 7695699, 8218237, 19344236). In COL4A1 variants affecting these glycine residues are significantly enriched in individuals with disease (PMID: 9016532, 17078022) compared to the general population (ExAC). For these reasons, this variant has been classified as Pathogenic.

Victorian Clinical Genetics Services, Murdoch Childrens Research Institute
Classification: Likely pathogenic for COL4A1 or COL4A2-related cerebral small vessel disease. Last evaluated: 2021-05-06. Review status: criteria provided, single submitter. Criteria: ACMG Guidelines, 2015. Collection method: clinical testing. Allele origin: germline. Inheritance: Autosomal dominant inheritance.
Comment: Based on the classification scheme VCGS_Germline_v1.3.4, this variant is classified as Likely pathogenic. Following criteria are met: 0103 - Loss of function is a known mechanism of disease in this gene and is associated with COL4A1-related disease. Glycine substitutions affecting the Gly-X-Y repeat motif are a known dominant-negative mechanism of disease in other collagen genes, but conclusive functional evidence of a dominant-negative mechanism in this gene is not yet available (PMID: 1867713, PMID: 23225343, PMID: 16159887). (I) 0107 - This gene is associated with autosomal dominant disease. (I) 0112 - The condition associated with this gene has incomplete penetrance. Asymptomatic carriers of pathogenic variants have been reported in at least one family (PMID: 30413629). (I) 0107 - This gene is associated with autosomal dominant disease. (I) 0200 - Variant is predicted to result in a missense amino acid change from glycine to arginine. (I) 0251 - This variant is heterozygous. (I) 0301 - Variant is absent from gnomAD (both v2 and v3). (SP) 0501 - Missense variant consistently predicted to be damaging by multiple in silico tools or highly conserved with a major amino acid change. (SP) 0601 - Variant is located in the well-established functional Gly-X-Y repeat motif (PMID: 1867713, PMID: 23225343). (SP) 0705 - No comparable missense variants have previous evidence for pathogenicity. (I) 0809 - Previous evidence of pathogenicity for this variant is inconclusive. This variant was identified in an individual with cerebral autosomal dominant arteriopathy with subcortical infarcts and leukoencephalopathy (CADASIL) and was classified as a VUS (PMID: 31915071). (I) 0905 - No published segregation evidence has been identified for this variant. (I) 1007 - No published functional evidence has been identified for this variant. (I) 1208 - Inheritance information for this variant is not currently available in this individual. (I) Legend: (SP) - Supporting pathogenic, (I) - Information, (SB) - Supporting benign

Literature cited by the submitters: PubMed 30413629 (cited by Labcorp Genetics (formerly Invitae), Labcorp and Victorian Clinical Genetics Services, Murdoch Childrens Research Institute); PubMed 7695699 (cited by Labcorp Genetics (formerly Invitae), Labcorp); PubMed 8218237 (cited by Labcorp Genetics (formerly Invitae), Labcorp); PubMed 19344236 (cited by Labcorp Genetics (formerly Invitae), Labcorp); PubMed 9016532 (cited by Labcorp Genetics (formerly Invitae), Labcorp); PubMed 17078022 (cited by Labcorp Genetics (formerly Invitae), Labcorp); PubMed 1867713 (cited by Victorian Clinical Genetics Services, Murdoch Childrens Research Institute); PubMed 16159887 (cited by Victorian Clinical Genetics Services, Murdoch Childrens Research Institute); PubMed 23225343 (cited by Victorian Clinical Genetics Services, Murdoch Childrens Research Institute); PubMed 31915071 (cited by Victorian Clinical Genetics Services, Murdoch Childrens Research Institute).